The following is an entry in ClinVar:

NM_001281747.2(MLIP):c.1561A>G (p.Met521Val)

Gene: MLIP (muscular LMNA interacting protein; plus strand). Cytogenetic location: 6p12.1.
Variant type: single nucleotide variant.
Coding change: c.1561A>G on transcript NM_001281747.2 (MANE Select); coding-DNA position 1561, A replaced by G.
Protein change: p.Met521Val; replaces methionine 521 with valine.
Molecular consequence: missense variant. On other transcripts: intron variant (1).
Genome position (GRCh38, 1-based): chr6:54,137,630, A>G. VCF-style: chr6-54137630-A-G. GRCh37 (hg19) VCF-style: chr6-54002428-A-G.
Other names: c.1528A>G, p.Met510Val (NM_001281746.2); c.613-11426A>G (NM_138569.3); short protein forms M510V, M521V.
Identifiers: ClinVar variation 3253232 (VCV003253232.1), dbSNP rs145626967.

ClinVar aggregate classification (germline): Uncertain significance (1 of 4 stars; one submission).

Allele frequency attached by ClinVar (database versions not stated): gnomAD 0.00002; TOPMed 0.00002; gnomAD exomes 0.00004; 1000 Genomes Project 30x 0.00016; 1000 Genomes Project 0.00020.
gnomAD v4.1: 51 of 1,536,086 alleles (0.0033%); highest among the groups gnomAD compares: East Asian, 0.0098%; no homozygotes.

Submission:

GeneDx
Classification: Uncertain significance. Last evaluated: 2023-06-08. Review status: criteria provided, single submitter. Criteria: GeneDx Variant Classification Process June 2021. Collection method: clinical testing. Allele origin: germline. Affected: yes.
Comment: In silico analysis supports that this missense variant does not alter protein structure/function; Has not been previously published as pathogenic or benign to our knowledge